The following is an entry in ClinVar:

NM_006904.7(PRKDC):c.160C>G (p.Gln54Glu)

Gene: PRKDC (protein kinase, DNA-activated, catalytic subunit; minus strand). Cytogenetic location: 8q11.21.
Variant type: single nucleotide variant.
Coding change: c.160C>G on transcript NM_006904.7 (MANE Select); coding-DNA position 160, C replaced by G.
Protein change: p.Gln54Glu; replaces glutamine 54 with glutamic acid.
Molecular consequence: missense variant.
Genome position (GRCh38, 1-based): chr8:47,957,426, G>C on the plus strand (C>G on the coding strand, the complement: PRKDC is on the minus strand). VCF-style: chr8-47957426-G-C. GRCh37 (hg19) VCF-style: chr8-48869986-G-C.
Other names: c.160C>G, p.Gln54Glu (NM_001081640.2); short protein forms Q54E.
Identifiers: ClinVar variation 1776359 (VCV001776359.2), dbSNP rs2551882402, ClinGen allele CA371141803.

ClinVar aggregate classification (germline): Uncertain significance (1 of 4 stars; one submission).

Submission:

Ambry Genetics
Classification: Uncertain significance. Last evaluated: 2022-01-04. Review status: criteria provided, single submitter. Criteria: Ambry Variant Classification Scheme 2023. Collection method: clinical testing. Allele origin: germline.
Comment: The p.Q54E variant (also known as c.160C>G), located in coding exon 2 of the PRKDC gene, results from a C to G substitution at nucleotide position 160. The glutamine at codon 54 is replaced by glutamic acid, an amino acid with highly similar properties. This amino acid position is conserved. In addition, this alteration is predicted to be tolerated by in silico analysis. Since supporting evidence is limited at this time, the clinical significance of this alteration remains unclear.